The following is an entry in ClinVar:

ClinVar aggregate classification (germline): Uncertain significance. Review status: criteria provided, multiple submitters, no conflicts (2 of 4 stars). 2 submissions from 2 submitters: Uncertain significance (2). Last evaluated 2024-11-15.

Conditions:
Inborn genetic diseases. Identifiers: MedGen C0950123, MeSH D030342.

Allele frequency attached by ClinVar (database versions not stated): TOPMed 0.00001.
gnomAD v4.1: 32 of 1,606,388 alleles (0.002%); highest among the groups gnomAD compares: Non-Finnish European, 0.0025%; no homozygotes.

Submissions (2):

Ambry Genetics
Classification: Uncertain significance for Inborn genetic diseases. Last evaluated: 2024-11-15. Review status: criteria provided, single submitter. Criteria: Ambry Variant Classification Scheme 2023. Collection method: clinical testing. Allele origin: germline.

Labcorp Genetics (formerly Invitae), Labcorp
Classification: Uncertain significance. Last evaluated: 2021-01-18. Review status: criteria provided, single submitter. Criteria: Invitae Variant Classification Sherloc (09022015). Collection method: clinical testing. Allele origin: germline.
Comment: This variant has not been reported in the literature in individuals with REST-related conditions. This sequence change replaces lysine with asparagine at codon 454 of the REST protein (p.Lys454Asn). The lysine residue is highly conserved and there is a moderate physicochemical difference between lysine and asparagine. This variant is present in population databases (rs745483275, ExAC 0.002%). Algorithms developed to predict the effect of missense changes on protein structure and function are either unavailable or do not agree on the potential impact of this missense change (SIFT: "Deleterious"; PolyPhen-2: "Probably Damaging"; Align-GVGD: "Class C0"). In summary, the available evidence is currently insufficient to determine the role of this variant in disease. Therefore, it has been classified as a Variant of Uncertain Significance.

NM_005612.5(REST):c.1362A>C (p.Lys454Asn)

Gene: REST (RE1 silencing transcription factor; plus strand). Cytogenetic location: 4q12.
Variant type: single nucleotide variant.
Coding change: c.1362A>C on transcript NM_005612.5 (MANE Select); coding-DNA position 1362, A replaced by C.
Protein change: p.Lys454Asn; replaces lysine 454 with asparagine.
Molecular consequence: missense variant.
Genome position (GRCh38, 1-based): chr4:56,930,220, A>C. VCF-style: chr4-56930220-A-C. GRCh37 (hg19) VCF-style: chr4-57796386-A-C.
Other names: c.1362A>C, p.Lys454Asn (NM_001193508.2, NM_001363453.3); short protein forms K454N.
Identifiers: ClinVar variation 1507859 (VCV001507859.9), dbSNP rs745483275, ClinGen allele CA2932255.